The following is an entry in ClinVar:

ClinVar aggregate classification (germline): Uncertain significance (1 of 4 stars; one submission).

Submission:

Quest Diagnostics Nichols Institute San Juan Capistrano
Classification: Uncertain significance. Last evaluated: 2024-04-16. Review status: criteria provided, single submitter. Criteria: Quest Diagnostics criteria. Collection method: clinical testing. Allele origin: unknown.
Comment: The VWF c.2268C>T (p.Pro756=) synonymous variant has not been reported in individuals with VWF-related conditions in the published literature. It also has not been reported in large, multi-ethnic general populations (Genome Aggregation Database). Analysis of this variant using software algorithms for the prediction of the effect of nucleotide changes on splicing yielded predictions that this variant does not affect VWF mRNA splicing. Based on the available information, we are unable to determine the clinical significance of this variant.

NM_000552.5(VWF):c.2268C>T (p.Pro756=)

Gene: VWF (von Willebrand factor; minus strand). Cytogenetic location: 12p13.31.
Variant type: single nucleotide variant.
Coding change: c.2268C>T on transcript NM_000552.5 (MANE Select); coding-DNA position 2268, C replaced by T.
Protein change: p.Pro756=; no amino-acid change (proline 756 retained).
Molecular consequence: synonymous variant.
Genome position (GRCh38, 1-based): chr12:6,046,736, G>A on the plus strand (C>T on the coding strand, the complement: VWF is on the minus strand). VCF-style: chr12-6046736-G-A. GRCh37 (hg19) VCF-style: chr12-6155902-G-A.
Identifiers: ClinVar variation 3572156 (VCV003572156.1).